The following is an entry in ClinVar:

ClinVar aggregate classification (germline): Uncertain significance (1 of 4 stars; one submission).

Submission:

Labcorp Genetics (formerly Invitae), Labcorp
Classification: Uncertain significance. Last evaluated: 2022-09-01. Review status: criteria provided, single submitter. Criteria: Invitae Variant Classification Sherloc (09022015). Collection method: clinical testing. Allele origin: germline.
Comment: ClinVar contains an entry for this variant (Variation ID: 1363903). In summary, the available evidence is currently insufficient to determine the role of this variant in disease. Therefore, it has been classified as a Variant of Uncertain Significance. Algorithms developed to predict the effect of missense changes on protein structure and function are either unavailable or do not agree on the potential impact of this missense change (SIFT: "Not Available"; PolyPhen-2: "Probably Damaging"; Align-GVGD: "Not Available"). This variant has not been reported in the literature in individuals affected with IDH3B-related conditions. This variant is not present in population databases (gnomAD no frequency). This sequence change replaces histidine with arginine at codon 176 of the IDH3B protein (p.His176Arg). The histidine residue is highly conserved and there is a small physicochemical difference between histidine and arginine.

NM_006899.5(IDH3B):c.527A>G (p.His176Arg)

Gene: IDH3B (isocitrate dehydrogenase (NAD(+)) 3 non-catalytic subunit beta; minus strand). Cytogenetic location: 20p13.
Variant type: single nucleotide variant.
Coding change: c.527A>G on transcript NM_006899.5 (MANE Select); coding-DNA position 527, A replaced by G.
Protein change: p.His176Arg; replaces histidine 176 with arginine.
Molecular consequence: missense variant. On other transcripts: non-coding transcript variant (1).
Genome position (GRCh38, 1-based): chr20:2,660,701, T>C on the plus strand (A>G on the coding strand, the complement: IDH3B is on the minus strand). VCF-style: chr20-2660701-T-C. GRCh37 (hg19) VCF-style: chr20-2641347-T-C.
Other names: c.527A>G, p.His176Arg (NM_001258384.3, NM_001330763.2, NM_174855.4); short protein forms H176R.
Identifiers: ClinVar variation 1363903 (VCV001363903.8), dbSNP rs2146311555, ClinGen allele CA408038117.